The following is an entry in ClinVar:

NM_000038.6(APC):c.2528G>T (p.Ser843Ile)

Gene: APC (APC regulator of Wnt signaling pathway; plus strand). Cytogenetic location: 5q22.2.
Variant type: single nucleotide variant.
Coding change: c.2528G>T on transcript NM_000038.6 (MANE Select); coding-DNA position 2528, G replaced by T.
Protein change: p.Ser843Ile; replaces serine 843 with isoleucine.
Molecular consequence: missense variant.
Genome position (GRCh38, 1-based): chr5:112,838,122, G>T. VCF-style: chr5-112838122-G-T. GRCh37 (hg19) VCF-style: chr5-112173819-G-T.
Other names: c.2528G>T, p.Ser843Ile (NM_001127510.3, NM_001354895.2); c.2474G>T, p.Ser825Ile (NM_001127511.3); c.2582G>T, p.Ser861Ile (NM_001354896.2); c.2558G>T, p.Ser853Ile (NM_001354897.2); c.2453G>T, p.Ser818Ile (NM_001354898.2); c.2444G>T, p.Ser815Ile (NM_001354899.2); c.2405G>T, p.Ser802Ile (NM_001354900.2); c.2351G>T, p.Ser784Ile (NM_001354901.2); and 5 more; short protein forms S560I, S683I, S717I, S742I, S752I, S784I, S802I, S815I.
Identifiers: ClinVar variation 1051837 (VCV001051837.10), dbSNP rs1765204069, ClinGen allele CA16026872.

ClinVar aggregate classification (germline): Uncertain significance (1 of 4 stars; one submission).

Conditions:
Familial adenomatous polyposis 1 (FAP1). Also called: POLYPOSIS, ADENOMATOUS INTESTINAL; FAMILIAL ADENOMATOUS POLYPOSIS 1, ATTENUATED. Identifiers: MedGen C2713442, MONDO:0021056, OMIM 175100. Disease mechanism: loss of function.

Submission:

Labcorp Genetics (formerly Invitae), Labcorp
Classification: Uncertain significance for Familial adenomatous polyposis 1. Last evaluated: 2020-08-06. Review status: criteria provided, single submitter. Criteria: Invitae Variant Classification Sherloc (09022015). Collection method: clinical testing. Allele origin: germline.
Comment: This variant has not been reported in the literature in individuals with APC-related conditions. This sequence change replaces serine with isoleucine at codon 843 of the APC protein (p.Ser843Ile). The serine residue is moderately conserved and there is a large physicochemical difference between serine and isoleucine. This variant is not present in population databases (ExAC no frequency). Algorithms developed to predict the effect of missense changes on protein structure and function are either unavailable or do not agree on the potential impact of this missense change (SIFT: "Deleterious"; PolyPhen-2: "Benign"; Align-GVGD: "Class C15"). In summary, the available evidence is currently insufficient to determine the role of this variant in disease. Therefore, it has been classified as a Variant of Uncertain Significance.